The following is an entry in ClinVar:

NM_007254.4(PNKP):c.611G>A (p.Arg204Gln)

Gene: PNKP (polynucleotide kinase 3'-phosphatase; minus strand). Cytogenetic location: 19q13.33.
Variant type: single nucleotide variant.
Coding change: c.611G>A on transcript NM_007254.4 (MANE Select); coding-DNA position 611, G replaced by A.
Protein change: p.Arg204Gln; replaces arginine 204 with glutamine.
Molecular consequence: missense variant.
Genome position (GRCh38, 1-based): chr19:49,864,204, C>T on the plus strand (G>A on the coding strand, the complement: PNKP is on the minus strand). VCF-style: chr19-49864204-C-T. GRCh37 (hg19) VCF-style: chr19-50367461-C-T.
Other names: short protein forms R204Q.
Identifiers: ClinVar variation 658847 (VCV000658847.8), dbSNP rs751820948, ClinGen allele CA9586869.

ClinVar aggregate classification (germline): Uncertain significance (1 of 4 stars; one submission).

Conditions:
Developmental and epileptic encephalopathy, 12 (DEE12). Identifiers: MedGen C3150988, MONDO:0013389, OMIM 613722.

Allele frequency attached by ClinVar (database versions not stated): gnomAD exomes below 0.00001; TOPMed below 0.00001; ExAC 0.00001; gnomAD 0.00003.
gnomAD v4.1: 10 of 1,614,054 alleles (0.00062%); highest among the groups gnomAD compares: African/African-American, 0.0053%; no homozygotes.

Submission:

Labcorp Genetics (formerly Invitae), Labcorp
Classification: Uncertain significance for Developmental and epileptic encephalopathy, 12. Last evaluated: 2023-10-13. Review status: criteria provided, single submitter. Criteria: Invitae Variant Classification Sherloc (09022015). Collection method: clinical testing. Allele origin: germline.
Comment: This sequence change replaces arginine, which is basic and polar, with glutamine, which is neutral and polar, at codon 204 of the PNKP protein (p.Arg204Gln). This variant is present in population databases (rs751820948, gnomAD 0.004%). This variant has not been reported in the literature in individuals affected with PNKP-related conditions. ClinVar contains an entry for this variant (Variation ID: 658847). Advanced modeling of protein sequence and biophysical properties (such as structural, functional, and spatial information, amino acid conservation, physicochemical variation, residue mobility, and thermodynamic stability) performed at Invitae indicates that this missense variant is not expected to disrupt PNKP protein function. In summary, the available evidence is currently insufficient to determine the role of this variant in disease. Therefore, it has been classified as a Variant of Uncertain Significance.